The following is an entry in ClinVar:

NM_015450.3(POT1):c.546+2T>G

Gene: POT1 (protection of telomeres 1; minus strand). Cytogenetic location: 7q31.33.
Variant type: single nucleotide variant.
Coding change: c.546+2T>G on transcript NM_015450.3 (MANE Select); the canonical splice donor site of the intron after coding-DNA position 546, T replaced by G.
Molecular consequence: splice donor variant.
Genome position (GRCh38, 1-based): chr7:124,863,348, A>C on the plus strand (T>G on the coding strand, the complement: POT1 is on the minus strand). VCF-style: chr7-124863348-A-C. GRCh37 (hg19) VCF-style: chr7-124503402-A-C.
Other names: c.153+2T>G (NM_001042594.2).
Identifiers: ClinVar variation 2015676 (VCV002015676.5), dbSNP rs2485479240, ClinGen allele CA369058528.

ClinVar aggregate classification (germline): Pathogenic/Likely pathogenic. Review status: criteria provided, multiple submitters, no conflicts (2 of 4 stars). 2 submissions from 2 submitters: Pathogenic (1); Likely pathogenic (1). Last evaluated 2025-12-23.

Conditions:
Long telomere syndrome.
Tumor predisposition syndrome 3 (TPDS3). Also called: Melanoma, cutaneous malignant, susceptibility to, 10; Glioma susceptibility 9; LONG TELOMERE SYNDROME, POT1-RELATED; POT1 Tumor Predisposition. Identifiers: Orphanet 618, MedGen C4014476, MONDO:0014368, OMIM 615848.

Submissions (2):

The Telomere Center at Johns Hopkins, Johns Hopkins University School of Medicine
Classification: Pathogenic for Long Telomere Syndrome. Last evaluated: 2025-12-23. Review status: criteria provided, single submitter. Criteria: Davidson-Swinton et al. (Blood. 2026). Collection method: clinical testing. Allele origin: germline. Affected: yes.

Labcorp Genetics (formerly Invitae), Labcorp
Classification: Likely pathogenic for Tumor predisposition syndrome 3. Last evaluated: 2022-07-10. Review status: criteria provided, single submitter. Criteria: Invitae Variant Classification Sherloc (09022015). Collection method: clinical testing. Allele origin: germline.
Comment: This sequence change affects a donor splice site in intron 8 of the POT1 gene. It is expected to disrupt RNA splicing. Variants that disrupt the donor or acceptor splice site typically lead to a loss of protein function (PMID: 16199547), and loss-of-function variants in POT1 are known to be pathogenic (PMID: 32155570). This variant is not present in population databases (gnomAD no frequency). This variant has not been reported in the literature in individuals affected with POT1-related conditions. Algorithms developed to predict the effect of sequence changes on RNA splicing suggest that this variant may disrupt the consensus splice site. In summary, the currently available evidence indicates that the variant is pathogenic, but additional data are needed to prove that conclusively. Therefore, this variant has been classified as Likely Pathogenic.

Literature cited by the submitters: PubMed 16199547 (cited by Labcorp Genetics (formerly Invitae), Labcorp); PubMed 32155570 (cited by Labcorp Genetics (formerly Invitae), Labcorp).